The following is an entry in ClinVar:

NM_001104631.2(PDE4D):c.*2329G>A

Gene: PDE4D (phosphodiesterase 4D; minus strand). Cytogenetic location: 5q11.2.
Variant type: single nucleotide variant.
Coding change: c.*2329G>A on transcript NM_001104631.2 (MANE Select); 2329 bases downstream of the stop codon, G replaced by A.
Molecular consequence: 3 prime UTR variant.
Genome position (GRCh38, 1-based): chr5:58,972,335, C>T on the plus strand (G>A on the coding strand, the complement: PDE4D is on the minus strand). VCF-style: chr5-58972335-C-T. GRCh37 (hg19) VCF-style: chr5-58268162-C-T.
Other names: c.*2329G>A (NM_001165899.2, NM_001197218.2, NM_001197219.2 and 11 more transcripts).
Identifiers: ClinVar variation 353945 (VCV000353945.5), dbSNP rs74710642, ClinGen allele CA10625025.
Genomic context (GRCh38, chr5:58,972,335, plus strand): 5'-AAACTACTTGGTCAAACATACGTCTTTATTTTTTTCTTATTTGAAAGATTACCATCTGAT[C>T]TTTACAGAGGAAACAGAGTAGAAACCTTGCAATTAACTAGTTGATTCCTCTTCTGCTTTA-3'

ClinVar aggregate classification (germline): Benign (1 of 4 stars; one submission).

Conditions:
Acrodysostosis 2 with or without hormone resistance. Also called: ACRODYSOSTOSIS 2 WITH HORMONE RESISTANCE; ACRODYSOSTOSIS 2 WITHOUT HORMONE RESISTANCE. Identifiers: Orphanet 280651, MedGen C3553250, MONDO:0013822, OMIM 614613.

Allele frequency attached by ClinVar (database versions not stated): gnomAD 0.02789 and 0.02975; 1000 Genomes Project 0.03075; TOPMed 0.03088; 1000 Genomes Project 30x 0.03295.

Submission:

Illumina Laboratory Services, Illumina
Classification: Benign for Acrodysostosis 2 with or without hormone resistance. Last evaluated: 2018-01-13. Review status: criteria provided, single submitter. Criteria: ICSL Variant Classification Criteria 13 December 2019. Collection method: clinical testing. Allele origin: germline.
Comment: This variant was observed in the ICSL laboratory as part of a predisposition screen in an ostensibly healthy population. It had not been previously curated by ICSL or reported in the Human Gene Mutation Database (HGMD: prior to June 1st, 2018), and was therefore a candidate for classification through an automated scoring system. Utilizing variant allele frequency, disease prevalence and penetrance estimates, and inheritance mode, an automated score was calculated to assess if this variant is too frequent to cause the disease. Based on the score and internal cut-off values, a variant classified as benign is not then subjected to further curation. The score for this variant resulted in a classification of benign for this disease.